The following is an entry in ClinVar:

NM_002894.3(RBBP8):c.2186A>G (p.Asp729Gly)

Gene: RBBP8 (RB binding protein 8, endonuclease; plus strand). Cytogenetic location: 18q11.2.
Variant type: single nucleotide variant.
Coding change: c.2186A>G on transcript NM_002894.3 (MANE Select); coding-DNA position 2186, A replaced by G.
Protein change: p.Asp729Gly; replaces aspartic acid 729 with glycine.
Molecular consequence: missense variant.
Genome position (GRCh38, 1-based): chr18:23,001,628, A>G. VCF-style: chr18-23001628-A-G. GRCh37 (hg19) VCF-style: chr18-20581591-A-G.
Other names: c.2186A>G, p.Asp729Gly (NM_203291.2, NM_203292.2); short protein forms D729G.
Identifiers: ClinVar variation 3943434 (VCV003943434.2).

ClinVar aggregate classification (germline): Conflicting classifications of pathogenicity. Review status: criteria provided, conflicting classifications (1 of 4 stars). 2 submissions from 2 submitters: Uncertain significance (1); Likely benign (1). Last evaluated 2026-01-24.

Conditions:
Inborn genetic diseases. Identifiers: MedGen C0950123, MeSH D030342.

gnomAD v4.1: 107 of 1,614,140 alleles (0.0066%); highest among the groups gnomAD compares: South Asian, 0.081%; no homozygotes.

Submissions (2):

GeneDx
Classification: Uncertain significance. Last evaluated: 2026-01-24. Review status: criteria provided, single submitter. Criteria: GeneDx Variant Classification Process June 2021. Collection method: clinical testing. Allele origin: germline.
Comment: In silico analysis supports that this missense variant has a deleterious effect on protein structure/function; Has not been previously published as pathogenic or benign to our knowledge

Ambry Genetics
Classification: Likely benign for Inborn genetic diseases. Last evaluated: 2025-05-19. Review status: criteria provided, single submitter. Criteria: Ambry Variant Classification Scheme 2023. Collection method: clinical testing. Allele origin: germline.